The following is an entry in ClinVar:

NM_005413.4(SIX3):c.993T>G (p.Asp331Glu)

Gene: SIX3 (SIX homeobox 3; plus strand). Cytogenetic location: 2p21.
Variant type: single nucleotide variant.
Coding change: c.993T>G on transcript NM_005413.4 (MANE Select); coding-DNA position 993, T replaced by G.
Protein change: p.Asp331Glu; replaces aspartic acid 331 with glutamic acid.
Molecular consequence: missense variant.
Genome position (GRCh38, 1-based): chr2:44,944,754, T>G. VCF-style: chr2-44944754-T-G. GRCh37 (hg19) VCF-style: chr2-45171893-T-G.
Other names: short protein forms D331E.
Identifiers: ClinVar variation 3774938 (VCV003774938.1).

ClinVar aggregate classification (germline): Uncertain significance (1 of 4 stars; one submission).

Submission:

GeneDx
Classification: Uncertain significance. Last evaluated: 2024-09-26. Review status: criteria provided, single submitter. Criteria: GeneDx Variant Classification Process June 2021. Collection method: clinical testing. Allele origin: germline. Affected: yes.
Comment: Not observed at significant frequency in large population cohorts (gnomAD); In silico analysis supports a deleterious effect on splicing; In silico analysis indicates that this missense variant does not alter protein structure/function; Has not been previously published as pathogenic or benign to our knowledge